The following is an entry in ClinVar:

NM_005413.4(SIX3):c.559C>G (p.Pro187Ala)

Gene: SIX3 (SIX homeobox 3; plus strand). Cytogenetic location: 2p21.
Variant type: single nucleotide variant.
Coding change: c.559C>G on transcript NM_005413.4 (MANE Select); coding-DNA position 559, C replaced by G.
Protein change: p.Pro187Ala; replaces proline 187 with alanine.
Molecular consequence: missense variant.
Genome position (GRCh38, 1-based): chr2:44,942,663, C>G. VCF-style: chr2-44942663-C-G. GRCh37 (hg19) VCF-style: chr2-45169802-C-G.
Other names: short protein forms P187A.
Identifiers: ClinVar variation 2469202 (VCV002469202.5), dbSNP rs761021058, ClinGen allele CA1642340.
Genomic context (GRCh38, chr2:44,942,663, plus strand): 5'-GCCATGTGGCTCGAGGCGCACTACCAGGAGGCCGAGAAGCTGCGCGGCCGCCCACTCGGC[C>G]CGGTGGACAAGTACCGCGTGCGCAAGAAGTTCCCGCTGCCACGCACCATCTGGGACGGCG-3'
Protein context (NP_005404.1, residues 177-197): AEKLRGRPLG[Pro187Ala]VDKYRVRKKF

ClinVar aggregate classification (germline): Uncertain significance. Review status: criteria provided, multiple submitters, no conflicts (2 of 4 stars). 2 submissions from 2 submitters: Uncertain significance (2). Last evaluated 2025-04-19.

Conditions:
Holoprosencephaly 2 (HPE2). Identifiers: Orphanet 2162, MedGen C1834877, MONDO:0007999, OMIM 157170.
Schizencephaly. Identifiers: Orphanet 799, MedGen C0266484, MONDO:0010011, OMIM 269160, HP:0010636.
Inborn genetic diseases. Identifiers: MedGen C0950123, MeSH D030342.

Allele frequency attached by ClinVar (database versions not stated): ExAC 0.00001.
gnomAD v4.1: 2 of 1,599,502 alleles (0.00013%); highest among the groups gnomAD compares: East Asian, 0.0045%; no homozygotes.

Submissions (2):

Ambry Genetics
Classification: Uncertain significance for Inborn genetic diseases. Last evaluated: 2025-04-19. Review status: criteria provided, single submitter. Criteria: Ambry Variant Classification Scheme 2023. Collection method: clinical testing. Allele origin: germline.

Juno Genomics, Hangzhou Juno Genomics, Inc
Classification: Uncertain significance for Holoprosencephaly 2; Schizencephaly. Review status: criteria provided, single submitter. Criteria: ACMG Guidelines, 2015. Collection method: clinical testing. Allele origin: germline.
Comment: Absent from controls (or at extremely low frequency if recessive) in Genome Aggregation Database.